The following is an entry in ClinVar:

NM_000540.3(RYR1):c.12817G>A (p.Glu4273Lys)

Gene: RYR1 (ryanodine receptor 1; plus strand). Cytogenetic location: 19q13.2.
Variant type: single nucleotide variant.
Coding change: c.12817G>A on transcript NM_000540.3 (MANE Select); coding-DNA position 12817, G replaced by A.
Protein change: p.Glu4273Lys; replaces glutamic acid 4273 with lysine.
Molecular consequence: missense variant.
Genome position (GRCh38, 1-based): chr19:38,565,151, G>A. VCF-style: chr19-38565151-G-A. GRCh37 (hg19) VCF-style: chr19-39055791-G-A.
Other names: c.12802G>A, p.Glu4268Lys (NM_001042723.2); short protein forms E4268K, E4273K.
Identifiers: ClinVar variation 4736737 (VCV004736737.1).
Genomic context (GRCh38, chr19:38,565,151, plus strand): 5'-CCCGAGGGCGAGCCGGAGACCGACGAGGACGAGGGCGCGGGCGCGGCGGAGGCGGGCGCG[G>A]AAGGCGCGGAGGAGGGCGCGGCGGGGCTCGAGGGCACGGCGGCCACGGCGGCGGCGGGGG-3'
Protein context (NP_000531.2, residues 4263-4283): EGAGAAEAGA[Glu4273Lys]GAEEGAAGLE

ClinVar aggregate classification (germline): Uncertain significance (1 of 4 stars; one submission).

Conditions:
RYR1-related disorder. Also called: RYR1-related condition; RYR1-related disorders. Identifiers: MedGen CN239331.

gnomAD v4.1: 10 of 1,517,046 alleles (0.00066%); highest among the groups gnomAD compares: Non-Finnish European, 0.00079%; no homozygotes.

Submission:

Labcorp Genetics (formerly Invitae), Labcorp
Classification: Uncertain significance for RYR1-related disorder. Last evaluated: 2025-05-27. Review status: criteria provided, single submitter. Criteria: Invitae Variant Classification Sherloc (09022015). Collection method: clinical testing. Allele origin: germline.
Comment: This sequence change replaces glutamic acid, which is acidic and polar, with lysine, which is basic and polar, at codon 4273 of the RYR1 protein (p.Glu4273Lys). This variant is not present in population databases (gnomAD no frequency). This variant has not been reported in the literature in individuals affected with RYR1-related conditions. Invitae Evidence Modeling of protein sequence and biophysical properties (such as structural, functional, and spatial information, amino acid conservation, physicochemical variation, residue mobility, and thermodynamic stability) indicates that this missense variant is not expected to disrupt RYR1 protein function with a negative predictive value of 80%. In summary, the available evidence is currently insufficient to determine the role of this variant in disease. Therefore, it has been classified as a Variant of Uncertain Significance.